The following is an entry in ClinVar:

NC_000003.12:g.93973939G>C

Gene: PROS1 (protein S; minus strand). Cytogenetic location: 3q11.1.
Variant type: single nucleotide variant.
Genome position: GRCh38 VCF-style: chr3-93973939-G-C. GRCh37 (hg19) VCF-style: chr3-93692783-G-C.
Other names: c.-190C>G (NM_000313.3, NM_001314077.1).
Identifiers: ClinVar variation 902481 (VCV000902481.15), dbSNP rs149028936, ClinGen allele CA78507362.
Genomic context (GRCh38, chr3:93,973,939, plus strand): 5'-AGCGAGCCTCGGCGGAACAGCCGGGGGCGGAGGAGACCGCCCGCTCCCAGCGCCCAGCCC[G>C]AGAGGGGAAGTGATAACAAGGACATTTCCAGGAAGCTTTTCGGAGCTGGGGGATGGGCTC-3'

ClinVar aggregate classification (germline): Conflicting classifications of pathogenicity. Review status: criteria provided, conflicting classifications (1 of 4 stars). 4 submissions from 4 submitters: Uncertain significance (2); Likely benign (1). 1 of the submissions does not count toward it. Last evaluated 2025-11-21.

Conditions:
PROS1-related disorder. Also called: PROS1-related condition.
Thrombophilia due to protein S deficiency, autosomal recessive (THPH6). Identifiers: Orphanet 743, MedGen C3281092, MONDO:0013791, OMIM 614514. Disease mechanism: loss of function.
Thrombophilia due to protein S deficiency, autosomal dominant (THPH5). Identifiers: Orphanet 26349, Orphanet 743, MedGen C3278211, MONDO:0012868, OMIM 612336. Disease mechanism: loss of function.

Allele frequency attached by ClinVar (database versions not stated): gnomAD 0.00048 and 0.00031; gnomAD exomes 0.00139; 1000 Genomes Project 0.00060; TOPMed 0.00063; 1000 Genomes Project 30x 0.00125.

Submissions (4):

Labcorp Genetics (formerly Invitae), Labcorp
Classification: Likely benign for Thrombophilia due to protein S deficiency, autosomal recessive. Last evaluated: 2025-11-21. Review status: criteria provided, single submitter. Criteria: Invitae Variant Classification Sherloc (09022015). Collection method: clinical testing. Allele origin: germline.

GeneDx
Classification: Uncertain significance. Last evaluated: 2024-03-01. Review status: criteria provided, single submitter. Criteria: GeneDx Variant Classification Process June 2021. Collection method: clinical testing. Allele origin: germline. Affected: yes.
Comment: This variant is associated with the following publications: (PMID: 34426522, 23813890, 30669159, 31068512)

Illumina Laboratory Services, Illumina
Classification: Uncertain significance for Thrombophilia due to protein S deficiency, autosomal dominant. Last evaluated: 2017-04-27. Review status: criteria provided, single submitter. Criteria: ICSL Variant Classification Criteria 13 December 2019. Collection method: clinical testing. Allele origin: germline.
Comment: This variant was observed as part of a predisposition screen in an ostensibly healthy population. A literature search was performed for the gene, cDNA change, and amino acid change (where applicable). Publications were found based on this search. However, the evidence from the literature, in combination with allele frequency data from public databases where available, was not sufficient to rule this variant in or out of causing disease. Therefore, this variant is classified as a variant of unknown significance.

PreventionGenetics, part of Exact Sciences
Classification: Uncertain significance for PROS1-related condition. Last evaluated: 2024-06-17. Review status: no assertion criteria provided. Collection method: clinical testing. Allele origin: germline. Not counted in ClinVar's aggregate classification.
Comment: The PROS1 c.-190C>G variant is located in the 5' untranslated region. This variant has been reported in multiple individuals with protein S deficiency (Table 1, Tang et al. 2013. PubMed ID: 23813890; Table 2, Li et al. 2019. PubMed ID: 30669159; Table 1, Ichiki et al. 2019. PubMed ID: 31068512). This variant is reported in 1.4% of alleles, including one homozygote, in individuals of East Asian descent in gnomAD. At this time, the clinical significance of this variant is uncertain due to the absence of conclusive functional and genetic evidence.

Literature cited by the submitters: PubMed 23813890 (cited by Illumina Laboratory Services, Illumina).